The following is an entry in ClinVar:

ClinVar aggregate classification (germline): Uncertain significance (1 of 4 stars; one submission).

Conditions:
Charcot-Marie-Tooth disease type 1C. Also called: HMSN IC; Charcot-Marie-Tooth disease, type IC; CHARCOT-MARIE-TOOTH NEUROPATHY, TYPE 1C; NEUROPATHY, HEREDITARY MOTOR AND SENSORY, TYPE IC; CHARCOT-MARIE-TOOTH DISEASE, DEMYELINATING, TYPE 1C; CMT, SLOW NERVE CONDUCTION TYPE C. Identifiers: Orphanet 101083, MedGen C0270913, MONDO:0010995, OMIM 601098.

Submission:

Labcorp Genetics (formerly Invitae), Labcorp
Classification: Uncertain significance for Charcot-Marie-Tooth disease type 1C. Last evaluated: 2021-12-29. Review status: criteria provided, single submitter. Criteria: Invitae Variant Classification Sherloc (09022015). Collection method: clinical testing. Allele origin: germline.
Comment: In summary, the available evidence is currently insufficient to determine the role of this variant in disease. Therefore, it has been classified as a Variant of Uncertain Significance. Algorithms developed to predict the effect of missense changes on protein structure and function (SIFT, PolyPhen-2, Align-GVGD) all suggest that this variant is likely to be disruptive. ClinVar contains an entry for this variant (Variation ID: 852191). This missense change has been observed in individuals with clinical features of Charcot-Marie-Tooth disease (Invitae). This variant is not present in population databases (gnomAD no frequency). This sequence change replaces leucine, which is neutral and non-polar, with proline, which is neutral and non-polar, at codon 125 of the LITAF protein (p.Leu125Pro).

NM_001136472.2(LITAF):c.374T>C (p.Leu125Pro)

Gene: LITAF (lipopolysaccharide induced TNF factor; minus strand). Cytogenetic location: 16p13.13.
Variant type: single nucleotide variant.
Coding change: c.374T>C on transcript NM_001136472.2 (MANE Select); coding-DNA position 374, T replaced by C.
Protein change: p.Leu125Pro; replaces leucine 125 with proline.
Molecular consequence: missense variant. On other transcripts: non-coding transcript variant (1).
Genome position (GRCh38, 1-based): chr16:11,553,536, A>G on the plus strand (T>C on the coding strand, the complement: LITAF is on the minus strand). VCF-style: chr16-11553536-A-G. GRCh37 (hg19) VCF-style: chr16-11647392-A-G.
Other names: c.374T>C, p.Leu125Pro (NM_001136473.1, NM_004862.4); short protein forms L125P.
Identifiers: ClinVar variation 852191 (VCV000852191.9), dbSNP rs2064215657, ClinGen allele CA394765069.